The following is an entry in ClinVar:

ClinVar aggregate classification (germline): Uncertain significance (1 of 4 stars; one submission).

Conditions:
Neutral lipid storage myopathy (NLSDM). Also called: NEUTRAL LIPID STORAGE DISEASE WITHOUT ICHTHYOSIS. Identifiers: Orphanet 98908, MedGen C1853136, MONDO:0012545, OMIM 610717.

Allele frequency attached by ClinVar (database versions not stated): gnomAD exomes below 0.00001; TOPMed 0.00001.
gnomAD v4.1: 3 of 1,473,718 alleles (0.0002%); highest among the groups gnomAD compares: Non-Finnish European, 0.00027%; no homozygotes.

Submission:

Labcorp Genetics (formerly Invitae), Labcorp
Classification: Uncertain significance for Neutral lipid storage myopathy. Last evaluated: 2022-02-24. Review status: criteria provided, single submitter. Criteria: Invitae Variant Classification Sherloc (09022015). Collection method: clinical testing. Allele origin: germline.
Comment: In summary, the available evidence is currently insufficient to determine the role of this variant in disease. Therefore, it has been classified as a Variant of Uncertain Significance. Algorithms developed to predict the effect of missense changes on protein structure and function (SIFT, PolyPhen-2, Align-GVGD) all suggest that this variant is likely to be disruptive. ClinVar contains an entry for this variant (Variation ID: 465783). This variant has not been reported in the literature in individuals affected with PNPLA2-related conditions. This variant is not present in population databases (gnomAD no frequency). This sequence change replaces isoleucine, which is neutral and non-polar, with serine, which is neutral and polar, at codon 43 of the PNPLA2 protein (p.Ile43Ser).

NM_020376.4(PNPLA2):c.128T>G (p.Ile43Ser)

Genes: PNPLA2 (patatin like domain 2, triacylglycerol lipase; plus strand), LOC130005097 (ATAC-STARR-seq lymphoblastoid silent region 3036; plus strand). Cytogenetic location: 11p15.5.
Variant type: single nucleotide variant.
Coding change: c.128T>G on transcript NM_020376.4 (MANE Select); coding-DNA position 128, T replaced by G.
Protein change: p.Ile43Ser; replaces isoleucine 43 with serine.
Molecular consequence: missense variant.
Genome position (GRCh38, 1-based): chr11:819,846, T>G. VCF-style: chr11-819846-T-G. GRCh37 (hg19) VCF-style: chr11-819846-T-G.
Other names: short protein forms I43S.
Identifiers: ClinVar variation 465783 (VCV000465783.7), dbSNP rs1290433318, ClinGen allele CA378976972.
Genomic context (GRCh38, chr11:819,846, plus strand): 5'-TCGGCGTGGCCTCCTGCCTCCGCGAGCACGCGCCCTTCCTGGTGGCCAACGCCACGCACA[T>G]CTACGGCGCCTCGGCCGGGGCGCTCACGGCCACGGCGCTGGTCACCGGGGTCTGCCTGGG-3'
Protein context (NP_065109.1, residues 33-53): APFLVANATH[Ile43Ser]YGASAGALTA